The following is an entry in ClinVar:

NM_015047.3(EMC1):c.2T>G (p.Met1Arg)

Gene: EMC1 (ER membrane protein complex subunit 1; minus strand). Cytogenetic location: 1p36.13.
Variant type: single nucleotide variant.
Coding change: c.2T>G on transcript NM_015047.3 (MANE Select); coding-DNA position 2, T replaced by G.
Protein change: p.Met1Arg; changes the start codon (methionine 1).
Molecular consequence: missense variant, initiator codon variant.
Genome position (GRCh38, 1-based): chr1:19,251,508, A>C on the plus strand (T>G on the coding strand, the complement: EMC1 is on the minus strand). VCF-style: chr1-19251508-A-C. GRCh37 (hg19) VCF-style: chr1-19578002-A-C.
Other names: c.2T>G, p.Met1Arg (NM_001271427.2, NM_001271428.2, NM_001271429.2 and 2 more transcripts); short protein forms M1R.
Identifiers: ClinVar variation 1320135 (VCV001320135.7), dbSNP rs762503667, ClinGen allele CA653082.

ClinVar aggregate classification (germline): Pathogenic/Likely pathogenic. Review status: criteria provided, multiple submitters, no conflicts (2 of 4 stars). 2 submissions from 2 submitters: Pathogenic (1); Likely pathogenic (1). Last evaluated 2021-10-03.

Conditions:
Cerebellar atrophy, visual impairment, and psychomotor retardation;. Also called: Cerebellar atrophy, visual impairment, and psychomotor retardation. Identifiers: MedGen C4225172, MONDO:0014811, OMIM 616875.

Allele frequency attached by ClinVar (database versions not stated): gnomAD 0.00001; gnomAD exomes below 0.00001; ExAC 0.00001.

Submissions (2):

Labcorp Genetics (formerly Invitae), Labcorp
Classification: Pathogenic. Last evaluated: 2021-10-03. Review status: criteria provided, single submitter. Criteria: Invitae Variant Classification Sherloc (09022015). Collection method: clinical testing. Allele origin: germline.
Comment: Algorithms developed to predict the effect of sequence changes on RNA splicing suggest that this variant may create or strengthen a splice site. This sequence change affects the initiator methionine of the EMC1 mRNA. The next in-frame methionine is located at codon 90. This variant is present in population databases (rs762503667, ExAC 0.01%). This variant has not been reported in the literature in individuals affected with EMC1-related conditions. This variant disrupts a region of the EMC1 protein in which other variant(s) (p.Thr82Met) have been determined to be pathogenic (PMID: 26942288, 31904590). This suggests that this is a clinically significant region of the protein, and that variants that disrupt it are likely to be disease-causing. For these reasons, this variant has been classified as Pathogenic.

3billion
Classification: Likely pathogenic for Cerebellar atrophy, visual impairment, and psychomotor retardation;. Last evaluated: 2021-10-02. Review status: criteria provided, single submitter. Criteria: ACMG Guidelines, 2015. Collection method: clinical testing. Allele origin: paternal. Affected: yes. Observed: 1 heterozygote.
Comment: Start-lost: reinitiation of translation may occur at a downstream alternate start codon but still result in a loss or disruption of normal protein function as there have been pathogenic variants reported upstream of the alterante start codon. (PVS1_M). It is observed at an extremely low frequency in the gnomAD v2.1.1 dataset (total allele frequency: 0.00000399, PM2). Patient's phenotype is considered compatible with Cerebellar atrophy, visual impairment, and psychomotor retardation (3billion dataset, PP4). Therefore, this variant is classified as likely pathogenic according to the recommendation of ACMG/AMP guideline.

Literature cited by the submitters: PubMed 26942288 (cited by Labcorp Genetics (formerly Invitae), Labcorp); PubMed 31904590 (cited by Labcorp Genetics (formerly Invitae), Labcorp).